The following is an entry in ClinVar:

ClinVar aggregate classification (germline): Uncertain significance (1 of 4 stars; one submission).

gnomAD v4.1: 5 of 1,614,064 alleles (0.00031%); highest among the groups gnomAD compares: East Asian, 0.0022%; no homozygotes.

Submission:

Labcorp Genetics (formerly Invitae), Labcorp
Classification: Uncertain significance. Last evaluated: 2025-06-11. Review status: criteria provided, single submitter. Criteria: Invitae Variant Classification Sherloc (09022015). Collection method: clinical testing. Allele origin: germline.
Comment: This sequence change falls in intron 56 of the COL7A1 gene. It does not directly change the encoded amino acid sequence of the COL7A1 protein. This variant is present in population databases (no rsID available, gnomAD 0.003%). This variant has not been reported in the literature in individuals affected with COL7A1-related conditions. Algorithms developed to predict the effect of sequence changes on RNA splicing suggest that this variant may disrupt the consensus splice site. In summary, the available evidence is currently insufficient to determine the role of this variant in disease. Therefore, it has been classified as a Variant of Uncertain Significance.

NM_000094.4(COL7A1):c.5125-6C>G

Gene: COL7A1 (collagen type VII alpha 1 chain; minus strand). Cytogenetic location: 3p21.31.
Variant type: single nucleotide variant.
Coding change: c.5125-6C>G on transcript NM_000094.4 (MANE Select); 6 bases into the intron before coding-DNA position 5125, C replaced by G.
Molecular consequence: intron variant.
Genome position (GRCh38, 1-based): chr3:48,579,820, G>C on the plus strand (C>G on the coding strand, the complement: COL7A1 is on the minus strand). VCF-style: chr3-48579820-G-C. GRCh37 (hg19) VCF-style: chr3-48617253-G-C.
Identifiers: ClinVar variation 4753152 (VCV004753152.1).